The following is an entry in ClinVar:

NM_198578.4(LRRK2):c.4627A>T (p.Ile1543Phe)

Gene: LRRK2 (leucine rich repeat kinase 2; plus strand). Cytogenetic location: 12q12.
Variant type: single nucleotide variant.
Coding change: c.4627A>T on transcript NM_198578.4 (MANE Select); coding-DNA position 4627, A replaced by T.
Protein change: p.Ile1543Phe; replaces isoleucine 1543 with phenylalanine.
Molecular consequence: missense variant.
Genome position (GRCh38, 1-based): chr12:40,314,062, A>T. VCF-style: chr12-40314062-A-T. GRCh37 (hg19) VCF-style: chr12-40707864-A-T.
Other names: short protein forms I1543F.
Identifiers: ClinVar variation 2587290 (VCV002587290.2), dbSNP rs201540075, ClinGen allele CA384418924.

ClinVar aggregate classification (germline): Uncertain significance (1 of 4 stars; one submission).

Conditions:
Inborn genetic diseases. Identifiers: MedGen C0950123, MeSH D030342.

gnomAD v4.1: 1 of 1,612,696 alleles (0.000062%); highest among the groups gnomAD compares: Non-Finnish European, 0.000085%; no homozygotes.

Submission:

Ambry Genetics
Classification: Uncertain significance for Inborn genetic diseases. Last evaluated: 2023-08-25. Review status: criteria provided, single submitter. Criteria: Ambry Variant Classification Scheme 2023. Collection method: clinical testing. Allele origin: germline.
Comment: The p.I1543F variant (also known as c.4627A>T), located in coding exon 32 of the LRRK2 gene, results from an A to T substitution at nucleotide position 4627. The isoleucine at codon 1543 is replaced by phenylalanine, an amino acid with highly similar properties. This amino acid position is conserved. In addition, this alteration is predicted to be tolerated by in silico analysis. Since supporting evidence is limited at this time, the clinical significance of this alteration remains unclear.